The following is an entry in ClinVar:

ClinVar aggregate classification (germline): Likely pathogenic (1 of 4 stars; one submission).

Allele frequency attached by ClinVar (database versions not stated): gnomAD exomes below 0.00001; gnomAD 0.00001.
gnomAD v4.1: 2 of 1,602,554 alleles (0.00012%); highest among the groups gnomAD compares: Non-Finnish European, 0.00017%; no homozygotes.

Submission:

Labcorp Genetics (formerly Invitae), Labcorp
Classification: Likely pathogenic. Last evaluated: 2022-06-08. Review status: criteria provided, single submitter. Criteria: Invitae Variant Classification Sherloc (09022015). Collection method: clinical testing. Allele origin: germline.
Comment: In summary, the currently available evidence indicates that the variant is pathogenic, but additional data are needed to prove that conclusively. Therefore, this variant has been classified as Likely Pathogenic. Algorithms developed to predict the effect of sequence changes on RNA splicing suggest that this variant may disrupt the consensus splice site. This variant has not been reported in the literature in individuals affected with TNFRSF11A-related conditions. This variant is present in population databases (no rsID available, gnomAD 0.007%). This sequence change affects a donor splice site in intron 4 of the TNFRSF11A gene. It is expected to disrupt RNA splicing. Variants that disrupt the donor or acceptor splice site typically lead to a loss of protein function (PMID: 16199547), and loss-of-function variants in TNFRSF11A are known to be pathogenic (PMID: 10677500, 18606301, 22271396).

Literature cited by the submitters: PubMed 16199547; PubMed 10677500; PubMed 18606301; PubMed 22271396.

NM_003839.4(TNFRSF11A):c.427+2T>G

Gene: TNFRSF11A (TNF receptor superfamily member 11a; plus strand). Cytogenetic location: 18q21.33.
Variant type: single nucleotide variant.
Coding change: c.427+2T>G on transcript NM_003839.4 (MANE Select); the canonical splice donor site of the intron after coding-DNA position 427, T replaced by G.
Molecular consequence: splice donor variant.
Genome position (GRCh38, 1-based): chr18:62,354,536, T>G. VCF-style: chr18-62354536-T-G. GRCh37 (hg19) VCF-style: chr18-60021769-T-G.
Other names: c.427+2T>G (NM_001270949.2, NM_001270950.2, NM_001270951.2 and 1 more transcripts).
Identifiers: ClinVar variation 2003588 (VCV002003588.4), dbSNP rs1451937043, ClinGen allele CA402612557.
Genomic context (GRCh38, chr18:62,354,536, plus strand): 5'-CTGCGAGTGCTGCCGCCGCAACACCGAGTGCGCGCCGGGCCTGGGCGCCCAGCACCCGTG[T>G]ACGGGTTGGATGTGTGCGTCTGTCGGCTCTTGCTGAGCCATGCAAAGCCAGCTTTGAGAC-3'